The following is an entry in ClinVar:

NM_004839.4(HOMER2):c.358A>G (p.Lys120Glu)

Gene: HOMER2 (homer scaffold protein 2; minus strand). Cytogenetic location: 15q25.2.
Variant type: single nucleotide variant.
Coding change: c.358A>G on transcript NM_004839.4 (MANE Select); coding-DNA position 358, A replaced by G.
Protein change: p.Lys120Glu; replaces lysine 120 with glutamic acid.
Molecular consequence: missense variant.
Genome position (GRCh38, 1-based): chr15:82,864,196, T>C on the plus strand (A>G on the coding strand, the complement: HOMER2 is on the minus strand). VCF-style: chr15-82864196-T-C. GRCh37 (hg19) VCF-style: chr15-83532948-T-C.
Other names: c.358A>G, p.Lys120Glu (NM_199330.3); c.358A>G (NM_199330.2, NM_004839.3); short protein forms K120E.
Identifiers: ClinVar variation 1594736 (VCV001594736.27), dbSNP rs76145073, ClinGen allele CA7702206.
Genomic context (GRCh38, chr15:82,864,196, plus strand): 5'-CTGGGATTTACTTCATAGACTAATGTCTTACTTGGGAATGATTACTTGAGGTCTCGATTT[T>C]CTCCTGCGTCTTGTCTTTGGCTATCTTGGCAGCTTCTTTCACCTCCTGGAATTTCTCTGC-3'
Protein context (NP_004830.2, residues 110-130): AKIAKDKTQE[Lys120Glu]IETSSNHSQA

ClinVar aggregate classification (germline): Conflicting classifications of pathogenicity. Review status: criteria provided, conflicting classifications (1 of 4 stars). 5 submissions from 5 submitters: Uncertain significance (1); Benign (1); Likely benign (2). 1 of the submissions does not count toward it. Last evaluated 2024-11-04.

Conditions:
HOMER2-related disorder. Also called: HOMER2-related condition.
Inborn genetic diseases. Identifiers: MedGen C0950123, MeSH D030342.

Allele frequency attached by ClinVar (database versions not stated): gnomAD exomes 0.00021 and 0.00062; ExAC 0.00022; gnomAD 0.00025 and 0.00027; TOPMed 0.00033; ESP Exome Variant Server 0.00042.
gnomAD v4.1: 968 of 1,611,124 alleles (0.06%); highest among the groups gnomAD compares: Non-Finnish European, 0.076%; 1 homozygote.

Submissions (5):

Blueprint Genetics
Classification: Likely benign. Last evaluated: 2024-11-04. Review status: criteria provided, single submitter. Criteria: ACMG Guidelines, 2015. Collection method: clinical testing. Allele origin: germline.

CeGaT Center for Human Genetics Tuebingen
Classification: Likely benign. Last evaluated: 2024-10-01. Review status: criteria provided, single submitter. Criteria: CeGaT Center For Human Genetics Tuebingen Variant Classification Criteria Version 2. Collection method: clinical testing. Allele origin: germline. Affected: yes. Observed: 1 variant allele.
Comment: HOMER2: BP4, BS1

Ambry Genetics
Classification: Uncertain significance for Inborn genetic diseases. Last evaluated: 2024-06-26. Review status: criteria provided, single submitter. Criteria: Ambry Variant Classification Scheme 2023. Collection method: clinical testing. Allele origin: germline.

Labcorp Genetics (formerly Invitae), Labcorp
Classification: Benign. Last evaluated: 2023-12-19. Review status: criteria provided, single submitter. Criteria: Invitae Variant Classification Sherloc (09022015). Collection method: clinical testing. Allele origin: germline.

PreventionGenetics, part of Exact Sciences
Classification: Likely benign for HOMER2-related condition. Last evaluated: 2022-08-24. Review status: no assertion criteria provided. Collection method: clinical testing. Allele origin: germline. Not counted in ClinVar's aggregate classification.
Comment: This variant is classified as likely benign based on ACMG/AMP sequence variant interpretation guidelines (Richards et al. 2015 PMID: 25741868, with internal and published modifications).